The following is an entry in ClinVar:

ClinVar aggregate classification (germline): Uncertain significance (1 of 4 stars; one submission).

Submission:

Labcorp Genetics (formerly Invitae), Labcorp
Classification: Uncertain significance. Last evaluated: 2025-08-17. Review status: criteria provided, single submitter. Criteria: Invitae Variant Classification Sherloc (09022015). Collection method: clinical testing. Allele origin: germline.
Comment: This sequence change replaces glycine, which is neutral and non-polar, with arginine, which is basic and polar, at codon 306 of the COL4A3 protein (p.Gly306Arg). This variant is not present in population databases (gnomAD no frequency). This variant has not been reported in the literature in individuals affected with COL4A3-related conditions. Invitae Evidence Modeling of protein sequence and biophysical properties (such as structural, functional, and spatial information, amino acid conservation, physicochemical variation, residue mobility, and thermodynamic stability) indicates that this missense variant is expected to disrupt COL4A3 protein function with a positive predictive value of 80%. In summary, the available evidence is currently insufficient to determine the role of this variant in disease. Therefore, it has been classified as a Variant of Uncertain Significance.

NM_000091.5(COL4A3):c.916G>C (p.Gly306Arg)

Genes: MFF-DT (MFF divergent transcript; minus strand), COL4A3 (collagen type IV alpha 3 chain; plus strand). Cytogenetic location: 2q36.3.
Variant type: single nucleotide variant.
Coding change: c.916G>C on transcript NM_000091.5 (MANE Select); coding-DNA position 916, G replaced by C.
Protein change: p.Gly306Arg; replaces glycine 306 with arginine.
Molecular consequence: missense variant.
Genome position (GRCh38, 1-based): chr2:227,256,053, G>C. VCF-style: chr2-227256053-G-C. GRCh37 (hg19) VCF-style: chr2-228120769-G-C.
Other names: short protein forms G306R.
Identifiers: ClinVar variation 4800362 (VCV004800362.1).